The following is an entry in ClinVar:

NM_004531.5(MOCS2):c.78T>C (p.Asp26=)

Gene: MOCS2 (molybdenum cofactor synthesis 2; minus strand). Cytogenetic location: 5q11.2.
Variant type: single nucleotide variant.
Coding change: c.78T>C on transcript NM_004531.5 (MANE Select); coding-DNA position 78, T replaced by C.
Protein change: p.Asp26=; no amino-acid change (aspartic acid 26 retained).
Molecular consequence: synonymous variant. On other transcripts: stop lost (1).
Genome position (GRCh38, 1-based): chr5:53,107,097, A>G on the plus strand (T>C on the coding strand, the complement: MOCS2 is on the minus strand). VCF-style: chr5-53107097-A-G. GRCh37 (hg19) VCF-style: chr5-52402927-A-G.
Other names: c.265T>C, p.Ter89Gln (NM_176806.4); c.78T>C, p.Asp26= (NM_183418.1).
Identifiers: ClinVar variation 2203648 (VCV002203648.4), dbSNP rs780363320, ClinGen allele CA3263749.
Genomic context (GRCh38, chr5:53,107,097, plus strand): 5'-TTCCCCACACGACTGATTAAGAAAAACAAATCTCACATACCTAGATGGCTCAAAAGCACT[A>G]TCCTCCACTAATGGGGGGGATAACGGCAATTTCGTCTCCAGGCTGAAGCACGAGGAGCTG-3'
Protein context (NP_004522.1, residues 16-36): KLPLSPPLVE[Asp26=]SAFEPSRKDM

ClinVar aggregate classification (germline): Uncertain significance. Review status: criteria provided, multiple submitters, no conflicts (2 of 4 stars). 2 submissions from 2 submitters: Uncertain significance (2). Last evaluated 2024-06-14.

Conditions:
Sulfite oxidase deficiency due to molybdenum cofactor deficiency type B1 (MOCODB1). Also called: Molybdenum cofactor deficiency B; Sulfite oxidase deficiency due to molybdenum cofactor deficiency type B; Molybdenum cofactor deficiency, complementation group B; MOLYBDENUM COFACTOR DEFICIENCY, TYPE B1. Identifiers: Orphanet 308393, Orphanet 833, MedGen C6065887, MONDO:0009644, OMIM 252160.

Allele frequency attached by ClinVar (database versions not stated): ExAC 0.00001; gnomAD 0.00001; TOPMed 0.00001; gnomAD exomes 0.00002.

Submissions (2):

Fulgent Genetics
Classification: Uncertain significance for Sulfite oxidase deficiency due to molybdenum cofactor deficiency type B1. Last evaluated: 2024-06-14. Review status: criteria provided, single submitter. Criteria: ACMG Guidelines, 2015. Collection method: clinical testing. Allele origin: germline.

Labcorp Genetics (formerly Invitae), Labcorp
Classification: Uncertain significance. Last evaluated: 2022-09-28. Review status: criteria provided, single submitter. Criteria: Invitae Variant Classification Sherloc (09022015). Collection method: clinical testing. Allele origin: germline.
Comment: This sequence change disrupts the translational stop signal of the MOCS2A mRNA. It is expected to extend the length of the MOCS2A protein by 3 additional amino acid residues. This variant is present in population databases (rs780363320, gnomAD 0.01%). This protein extension has been observed in individual(s) with molybdenum cofactor deficiency (PMID: 22759696). Experimental studies and prediction algorithms are not available or were not evaluated, and the functional significance of this variant is currently unknown. In summary, the available evidence is currently insufficient to determine the role of this variant in disease. Therefore, it has been classified as a Variant of Uncertain Significance.

Literature cited by the submitters: PubMed 22759696 (cited by Labcorp Genetics (formerly Invitae), Labcorp).